The following is an entry in ClinVar:

NM_012387.3(PADI4):c.1938C>T (p.Gly646=)

Gene: PADI4 (peptidyl arginine deiminase 4; plus strand). Cytogenetic location: 1p36.13.
Variant type: single nucleotide variant.
Coding change: c.1938C>T on transcript NM_012387.3 (MANE Select); coding-DNA position 1938, C replaced by T.
Protein change: p.Gly646=; no amino-acid change (glycine 646 retained).
Molecular consequence: synonymous variant.
Genome position (GRCh38, 1-based): chr1:17,363,701, C>T. VCF-style: chr1-17363701-C-T. GRCh37 (hg19) VCF-style: chr1-17690196-C-T.
Identifiers: ClinVar variation 3034264 (VCV003034264.2), dbSNP rs2526146021, ClinGen allele CA416658477.

ClinVar aggregate classification (germline): Likely benign (0 of 4 stars; one submission).

Conditions:
PADI4-related disorder. Also called: PADI4-related condition.

Submission:

PreventionGenetics, part of Exact Sciences
Classification: Likely benign for PADI4-related condition. Last evaluated: 2019-06-11. Review status: no assertion criteria provided. Collection method: clinical testing. Allele origin: germline.
Comment: This variant is classified as likely benign based on ACMG/AMP sequence variant interpretation guidelines (Richards et al. 2015 PMID: 25741868, with internal and published modifications).